The following is an entry in ClinVar:

NC_000015.9:g.(?_44862713)_(44867249_?)del

Gene: SPG11 (SPG11 vesicle trafficking associated, spatacsin; minus strand). Cytogenetic location: 15q21.1.
Variant type: Deletion.
Identifiers: ClinVar variation 1074115 (VCV001074115.1).

ClinVar aggregate classification (germline): Pathogenic (1 of 4 stars; one submission).

Conditions:
Hereditary spastic paraplegia 11. Also called: SPASTIC PARAPLEGIA, AUTOSOMAL RECESSIVE, COMPLICATED, WITH THIN CORPUS CALLOSUM; SPASTIC PARAPLEGIA, AUTOSOMAL RECESSIVE, WITH MENTAL IMPAIRMENT AND THIN CORPUS CALLOSUM; Nakamura Osame syndrome; Autosomal recessive hereditary spastic paraplegia, mental impairment, and thin corpus callosum; Spastic paraplegia, mental retardation and thin corpus callosum; Spastic Paraplegia 11. Identifiers: Orphanet 2822, MedGen C1858479, MONDO:0011445, OMIM 604360.

Submission:

Labcorp Genetics (formerly Invitae), Labcorp
Classification: Pathogenic for Hereditary spastic paraplegia 11. Last evaluated: 2020-08-31. Review status: criteria provided, single submitter. Criteria: Invitae Variant Classification Sherloc (09022015). Collection method: clinical testing. Allele origin: germline.
Comment: This variant is an out-of-frame deletion of the genomic region encompassing exons 31-34 of the SPG11 gene. This is expected to create a premature translational stop signal and result in an absent or disrupted protein product. This particular deletion has been reported in the literature in individuals affected with autosomal recessive hereditary spastic paraplegia (PMID: 19105190, 23733235, 22237444). Loss-of-function variants in SPG11 are known to be pathogenic (PMID: 19105190, 20110243, 22154821, 26556829). For these reasons, this variant has been classified as Pathogenic.

Literature cited by the submitters: PubMed 19105190; PubMed 23733235; PubMed 22237444; PubMed 20110243; PubMed 22154821; PubMed 26556829.